The following is an entry in ClinVar:

ClinVar aggregate classification (germline): Uncertain significance (1 of 4 stars; one submission).

Allele frequency attached by ClinVar (database versions not stated): ExAC 0.00001; gnomAD 0.00001; gnomAD exomes 0.00001.
gnomAD v4.1: 5 of 1,613,848 alleles (0.00031%); highest among the groups gnomAD compares: Admixed American, 0.005%; no homozygotes.

Submission:

Labcorp Genetics (formerly Invitae), Labcorp
Classification: Uncertain significance. Last evaluated: 2023-11-27. Review status: criteria provided, single submitter. Criteria: Invitae Variant Classification Sherloc (09022015). Collection method: clinical testing. Allele origin: germline.
Comment: This sequence change replaces glycine, which is neutral and non-polar, with glutamic acid, which is acidic and polar, at codon 1497 of the TTC37 protein (p.Gly1497Glu). The frequency data for this variant in the population databases is considered unreliable, as metrics indicate poor data quality at this position in the gnomAD database. This variant has not been reported in the literature in individuals affected with TTC37-related conditions. ClinVar contains an entry for this variant (Variation ID: 1010539). An algorithm developed to predict the effect of missense changes on protein structure and function (PolyPhen-2) suggests that this variant is likely to be disruptive. In summary, the available evidence is currently insufficient to determine the role of this variant in disease. Therefore, it has been classified as a Variant of Uncertain Significance.

NM_014639.4(SKIC3):c.4490G>A (p.Gly1497Glu)

Gene: SKIC3 (SKI3 subunit of superkiller complex; minus strand). Cytogenetic location: 5q15.
Variant type: single nucleotide variant.
Coding change: c.4490G>A on transcript NM_014639.4 (MANE Select); coding-DNA position 4490, G replaced by A.
Protein change: p.Gly1497Glu; replaces glycine 1497 with glutamic acid.
Molecular consequence: missense variant.
Genome position (GRCh38, 1-based): chr5:95,469,786, C>T on the plus strand (G>A on the coding strand, the complement: SKIC3 is on the minus strand). VCF-style: chr5-95469786-C-T. GRCh37 (hg19) VCF-style: chr5-94805490-C-T.
Other names: short protein forms G1497E.
Identifiers: ClinVar variation 1010539 (VCV001010539.6), dbSNP rs754259357, ClinGen allele CA3346382.